The following is an entry in ClinVar:

NM_000264.5(PTCH1):c.2153C>A (p.Ser718Tyr)

Genes: PTCH1 (patched 1; minus strand), LOC100507346 (uncharacterized LOC100507346; plus strand). Cytogenetic location: 9q22.32.
Variant type: single nucleotide variant.
Coding change: c.2153C>A on transcript NM_000264.5 (MANE Select); coding-DNA position 2153, C replaced by A.
Protein change: p.Ser718Tyr; replaces serine 718 with tyrosine.
Molecular consequence: missense variant. On other transcripts: non-coding transcript variant (2).
Genome position (GRCh38, 1-based): chr9:95,468,848, G>T on the plus strand (C>A on the coding strand, the complement: PTCH1 is on the minus strand). VCF-style: chr9-95468848-G-T. GRCh37 (hg19) VCF-style: chr9-98231130-G-T.
Other names: c.1955C>A, p.Ser652Tyr (NM_001083602.3); c.2150C>A, p.Ser717Tyr (NM_001083603.3); c.1700C>A, p.Ser567Tyr (NM_001083604.3, NM_001083605.3, NM_001083606.3 and 1 more transcripts); c.1997C>A, p.Ser666Tyr (NM_001354918.2); short protein forms S567Y, S717Y, S652Y, S718Y, S666Y.
Identifiers: ClinVar variation 1425341 (VCV001425341.8), dbSNP rs2118032855, ClinGen allele CA374115527.
Genomic context (GRCh38, chr9:95,468,848, plus strand): 5'-TTCTCAGCAAAAGATGAGAGTGTCCACTTCGTACAGGGGGGCTCGAGGCAGTGGAGGCTG[G>T]AGTCGGAGAACTGGGAGAGCAGGTCCCTTGTGGAGCTGGTGCTCTCTGGGCTCTGGCAGC-3'
Protein context (NP_000255.2, residues 708-728): TRDLLSQFSD[Ser718Tyr]SLHCLEPPCT

ClinVar aggregate classification (germline): Uncertain significance. Review status: criteria provided, multiple submitters, no conflicts (2 of 4 stars). 2 submissions from 2 submitters: Uncertain significance (2). Last evaluated 2025-12-29.

Conditions:
Hereditary cancer-predisposing syndrome. Also called: Hereditary neoplastic syndrome; Tumor predisposition; Hereditary Cancer Syndrome; Neoplastic Syndromes, Hereditary. Identifiers: Orphanet 140162, MedGen C0027672, MeSH D009386, MONDO:0015356.
Gorlin syndrome. Also called: Nevoid Basal Cell Carcinoma Syndrome; Basal cell nevus syndrome. Identifiers: Orphanet 377, MedGen C0004779, MONDO:0007187.

gnomAD v4.1: 1 of 1,614,190 alleles (0.000062%); no homozygotes.

Submissions (2):

Labcorp Genetics (formerly Invitae), Labcorp
Classification: Uncertain significance for Gorlin syndrome. Last evaluated: 2025-12-29. Review status: criteria provided, single submitter. Criteria: Invitae Variant Classification Sherloc (09022015). Collection method: clinical testing. Allele origin: germline.
Comment: This sequence change replaces serine, which is neutral and polar, with tyrosine, which is neutral and polar, at codon 718 of the PTCH1 protein (p.Ser718Tyr). This variant is not present in population databases (gnomAD no frequency). This variant has not been reported in the literature in individuals affected with PTCH1-related conditions. ClinVar contains an entry for this variant (Variation ID: 1425341). Invitae Evidence Modeling of protein sequence and biophysical properties (such as structural, functional, and spatial information, amino acid conservation, physicochemical variation, residue mobility, and thermodynamic stability) indicates that this missense variant is not expected to disrupt PTCH1 protein function with a negative predictive value of 95%. In summary, the available evidence is currently insufficient to determine the role of this variant in disease. Therefore, it has been classified as a Variant of Uncertain Significance.

Ambry Genetics
Classification: Uncertain significance for Hereditary cancer-predisposing syndrome. Last evaluated: 2024-05-11. Review status: criteria provided, single submitter. Criteria: Ambry Variant Classification Scheme 2023. Collection method: clinical testing. Allele origin: germline.
Comment: The p.S718Y variant (also known as c.2153C>A), located in coding exon 14 of the PTCH1 gene, results from a C to A substitution at nucleotide position 2153. The serine at codon 718 is replaced by tyrosine, an amino acid with dissimilar properties. This amino acid position is not well conserved in available vertebrate species. In addition, the in silico prediction for this alteration is inconclusive. Since supporting evidence is limited at this time, the clinical significance of this alteration remains unclear.